The following is an entry in ClinVar:

NM_001261826.3(AP3D1):c.1120A>C (p.Met374Leu)

Gene: AP3D1 (adaptor related protein complex 3 subunit delta 1; minus strand). Cytogenetic location: 19p13.3.
Variant type: single nucleotide variant.
Coding change: c.1120A>C on transcript NM_001261826.3 (MANE Select); coding-DNA position 1120, A replaced by C.
Protein change: p.Met374Leu; replaces methionine 374 with leucine.
Molecular consequence: missense variant.
Genome position (GRCh38, 1-based): chr19:2,121,293, T>G on the plus strand (A>C on the coding strand, the complement: AP3D1 is on the minus strand). VCF-style: chr19-2121293-T-G. GRCh37 (hg19) VCF-style: chr19-2121292-T-G.
Other names: c.1120A>C, p.Met374Leu (NM_001374799.1, NM_003938.8); c.1120A>C (NM_003938.5); short protein forms M374L.
Identifiers: ClinVar variation 1352901 (VCV001352901.9), dbSNP rs768665050, ClinGen allele CA304163522.

ClinVar aggregate classification (germline): Uncertain significance. Review status: criteria provided, multiple submitters, no conflicts (2 of 4 stars). 2 submissions from 2 submitters: Uncertain significance (2). Last evaluated 2024-04-17.

Conditions:
Inborn genetic diseases. Identifiers: MedGen C0950123, MeSH D030342.

Allele frequency attached by ClinVar (database versions not stated): gnomAD 0.00001.
gnomAD v4.1: 12 of 1,614,020 alleles (0.00074%); highest among the groups gnomAD compares: Non-Finnish European, 0.00093%; no homozygotes.

Submissions (2):

Ambry Genetics
Classification: Uncertain significance for Inborn genetic diseases. Last evaluated: 2024-04-17. Review status: criteria provided, single submitter. Criteria: Ambry Variant Classification Scheme 2023. Collection method: clinical testing. Allele origin: germline.

Labcorp Genetics (formerly Invitae), Labcorp
Classification: Uncertain significance. Last evaluated: 2024-02-12. Review status: criteria provided, single submitter. Criteria: Invitae Variant Classification Sherloc (09022015). Collection method: clinical testing. Allele origin: germline.
Comment: This sequence change replaces methionine, which is neutral and non-polar, with leucine, which is neutral and non-polar, at codon 374 of the AP3D1 protein (p.Met374Leu). This variant is present in population databases (rs768665050, gnomAD 0.02%). This variant has not been reported in the literature in individuals affected with AP3D1-related conditions. ClinVar contains an entry for this variant (Variation ID: 1352901). An algorithm developed to predict the effect of missense changes on protein structure and function (PolyPhen-2) suggests that this variant is likely to be tolerated. In summary, the available evidence is currently insufficient to determine the role of this variant in disease. Therefore, it has been classified as a Variant of Uncertain Significance.